The following is an entry in ClinVar:

ClinVar aggregate classification (germline): Pathogenic/Likely pathogenic. Review status: criteria provided, multiple submitters, no conflicts (2 of 4 stars). 9 submissions from 9 submitters: Pathogenic (7); Likely pathogenic (2). Last evaluated 2026-05-18.

Conditions:
Autosomal dominant and autosomal recessive WFS1-related disorders.
WFS1-related disorder. Identifiers: MedGen CN379391, MONDO:0700293.
Autosomal dominant nonsyndromic hearing loss 6 (LFSNHL). Also called: Autosomal dominant nonsyndromic deafness 6; DEAFNESS, AUTOSOMAL DOMINANT 6; DEAFNESS, AUTOSOMAL DOMINANT 14; DEAFNESS, AUTOSOMAL DOMINANT 38. Identifiers: Orphanet 90635, MedGen C1833021, MONDO:0010963, OMIM 600965.
Type 2 diabetes mellitus. Also called: Type II diabetes mellitus. Identifiers: MedGen C0011860, MeSH D003924, MONDO:0005148, OMIM 125853, HP:0005978.
Wolfram-like syndrome. Also called: HEARING LOSS, PROGRESSIVE, WITH OPTIC ATROPHY AND/OR IMPAIRED GLUCOSE REGULATION. Identifiers: Orphanet 411590, MedGen C3280358, MONDO:0013673, OMIM 614296.
Cataract 41 (CTRCT41). Also called: CATARACT 41, CONGENITAL NUCLEAR TYPE. Identifiers: Orphanet 91492, Orphanet 98991, Orphanet 98992, Orphanet 98995, MedGen C3805412, MONDO:0007287, OMIM 116400.
Wolfram syndrome 1 (WFS1). Identifiers: Orphanet 3463, MedGen C4551693, MONDO:0009101, OMIM 222300.
Optic neuropathy. Also called: Optic nerve disorder. Identifiers: MedGen C3887709, MONDO:0002135, HP:0001138.

Allele frequency attached by ClinVar (database versions not stated): ExAC 0.00002; gnomAD exomes 0.00002 and 0.00005; TOPMed 0.00004; gnomAD 0.00005; ESP Exome Variant Server 0.00015.
gnomAD v4.1: 80 of 1,612,966 alleles (0.005%); highest among the groups gnomAD compares: Non-Finnish European, 0.0059%; no homozygotes.

Submissions (9):

PreventionGenetics, part of Exact Sciences
Classification: Pathogenic for WFS1-related condition. Last evaluated: 2026-05-18. Review status: criteria provided, single submitter. Criteria: ACMG Guidelines, 2015. Collection method: clinical testing. Allele origin: germline.
Comment: The WFS1 c.505G>A variant is predicted to result in the amino acid substitution p.Glu169Lys. This variant was reported in a patient with Wolfram syndrome (WS) as a de novo variant in trans with missense and nonsense variants inherited from an unaffected parent (Pizzolanti. 2014. J Genet Syndr Gene Ther 5:245) and was described in the compound heterozygous state in another individual with WS (Rigoli et al. 2020. PubMed ID: 31266054). This variant has been reported in a patient with WS who also harbored two other rare missense variants, although family studies were not performed to determine phase (Hardy et al. 1999. PubMed ID: 10521293). This variant along with a second potentially causative variant was also reported in individuals with retinal disease or optic atrophy, diabetes, and neurogenic bladder, although phase of the variants was not reported (Majander et al. 2016. PubMed ID: 26875006; supplementary data, Lin et al. 2024. PubMed ID: 38219857). This variant was additionally described, in the heterozygous state with or without a second potentially causative variant, in large cohorts of individuals with diabetes mellitus (supplementary data, Lee et al. 2023. PubMed ID: 1198171; Kwak et al. 2016. PubMed ID: 27810688). Finally, this variant was also described in a large cohort of individuals with deafness, although clinical and genetic information was limited for this patient (Zhang et al. 2022. PubMed ID: 36098976). This variant is reported in 0.0050% of alleles in individuals of East Asian descent in gnomAD. This variant is interpreted as pathogenic for autosomal recessive disease, but the contribution of this variant to autosomal dominant disease is uncertain at this time.

Genetics Laboratory, Great Ormond Street Hospital NHS Foundation Trust, North Thames Genomic Laboratory Hub
Classification: Likely pathogenic for Optic neuropathy. Last evaluated: 2025-11-18. Review status: criteria provided, single submitter. Criteria: ACGS Best Practice Guidelines for Variant Classification in Rare Disease 2024 v1.2. Collection method: clinical testing. Allele origin: germline. Affected: yes.
Comment: PM2_moderate, PP3_supporting, PM3_strong

Labcorp Genetics (formerly Invitae), Labcorp
Classification: Pathogenic. Last evaluated: 2025-09-23. Review status: criteria provided, single submitter. Criteria: Invitae Variant Classification Sherloc (09022015). Collection method: clinical testing. Allele origin: germline.
Comment: This sequence change replaces glutamic acid, which is acidic and polar, with lysine, which is basic and polar, at codon 169 of the WFS1 protein (p.Glu169Lys). This variant is present in population databases (rs148953711, gnomAD 0.005%). This missense change has been observed in individual(s) with autosomal recessive Wolfram syndrome (PMID: 26875006, 27045389, 28432734). This variant has been reported in individual(s) with autosomal dominant Wolfram-like syndrome (PMID: 27810688); however, the role of the variant in this condition is currently unclear. ClinVar contains an entry for this variant (Variation ID: 215376). Invitae Evidence Modeling of protein sequence and biophysical properties (such as structural, functional, and spatial information, amino acid conservation, physicochemical variation, residue mobility, and thermodynamic stability) indicates that this missense variant is not expected to disrupt WFS1 protein function with a negative predictive value of 95%. For these reasons, this variant has been classified as Pathogenic.

Variantyx, Inc.
Classification: Likely pathogenic for Autosomal dominant and autosomal recessive WFS1-related disorders. Last evaluated: 2025-06-03. Review status: criteria provided, single submitter. Criteria: Variantyx Assertion Criteria 2022. Collection method: clinical testing. Allele origin: germline. Inheritance: Autosomal recessive inheritance. Affected: no.
Comment: This is a nonsynonymous variant in the WFS1 gene (OMIM: 606201). Pathogenic variants in this gene have been associated with autosomal dominant and autosomal recessive WFS1-related disorders. This variant lies within a known hotspot for pathogenic variants or a well-established critical functional domain of the WFS1 protein (PMID: 23035048) (PM1). Functional studies have shown that this variant alters WFS1 protein function (PMID: 34848728) and multiple computational algorithms predict a deleterious effect for this variant (REVEL score: 0.838) (PP3). This variant has been identified in the homozygous or compound heterozygous state in at least 7 individuals reported in the published literature (PMID: 26875006, 10521293, 27045389, 28432734, 36098976) (PM3), and it has a 0.0059% maximum allele frequency in non-founder control populations (PM2). Based on the current evidence, this variant is classified as likely pathogenic for autosomal recessive WFS1-related disorders.

Women's Health and Genetics/Laboratory Corporation of America, LabCorp
Classification: Pathogenic for Wolfram syndrome 1. Last evaluated: 2025-01-06. Review status: criteria provided, single submitter. Criteria: LabCorp Variant Classification Summary - May 2015. Collection method: clinical testing. Allele origin: germline.
Comment: Variant summary: WFS1 c.505G>A (p.Glu169Lys) results in a conservative amino acid change in the encoded protein sequence. Four of five in-silico tools predict a damaging effect of the variant on protein function. The variant allele was found at a frequency of 2e-05 in 250532 control chromosomes. c.505G>A has been reported in the literature in multiple compound heterozygous individuals affected with clinical features of Wolfram Syndrome 1 (Hardy_1999, Pizzolanti_2014, Majander_2016, Xavier_2016, Astuti_2017, Zhang_2022, Lee_2023, Lin_2024). These data indicate that the variant is very likely to be associated with disease. To our knowledge, no experimental evidence demonstrating an impact on protein function has been reported. The following publications have been ascertained in the context of this evaluation (PMID: 28432734, 30245029, 10521293, 37415600, 38219857, 26875006, no PMID, 27045389, 36098976). ClinVar contains an entry for this variant (Variation ID: 215376). Based on the evidence outlined above, the variant was classified as pathogenic.

Blueprint Genetics
Classification: Pathogenic for WFS1-related disorders. Last evaluated: 2024-11-13. Review status: criteria provided, single submitter. Criteria: ACMG Guidelines, 2015. Collection method: clinical testing. Allele origin: germline. Affected: yes. Observed: 5 variant alleles.

Fulgent Genetics
Classification: Pathogenic for Cataract 41; Type 2 diabetes mellitus; Wolfram syndrome 1; Autosomal dominant nonsyndromic hearing loss 6; Wolfram-like syndrome. Last evaluated: 2024-04-04. Review status: criteria provided, single submitter. Criteria: ACMG Guidelines, 2015. Collection method: clinical testing. Allele origin: germline.

GeneDx
Classification: Pathogenic. Last evaluated: 2024-04-04. Review status: criteria provided, single submitter. Criteria: GeneDx Variant Classification Process June 2021. Collection method: clinical testing. Allele origin: germline. Affected: yes.
Comment: Published functional studies demonstrate a damaging effect: disrupted localization to the endoplasmic reticulum and impaired interaction with SEC24 (PMID: 34848728); This variant is associated with the following publications: (PMID: 27045389, 26875006, 30245029, 11317350, 12955714, 31313226, 27810688, 15473915, Pizzolanti2014[Case Report], 34006618, 10521293, 35469785, 28432734, 34848728)

Victorian Clinical Genetics Services, Murdoch Childrens Research Institute
Classification: Pathogenic for Wolfram syndrome 1. Last evaluated: 2023-07-16. Review status: criteria provided, single submitter. Criteria: ACMG Guidelines, 2015. Collection method: clinical testing. Allele origin: germline. Inheritance: Autosomal recessive inheritance. Affected: yes.
Comment: Based on the classification scheme VCGS_Germline_v1.3.4, this variant is classified as Pathogenic. Following criteria are met: 0102 - Loss of function is a known mechanism of disease in this gene and is associated with autosomal recessive Wolfram syndrome (MIM#222300). Dominant-negative is suggested for heterozygous missense variants causing autosomal dominant Wolfram-like syndrome (MIM#614296) (PMID: 32219690). (I) 0108 - This gene is associated with both recessive and dominant disease. Both deafness 6/14/38 (MIM#600965) and Wolfram-like syndrome (MIM#614296) are inherited in an autosomal dominant manner while Wolfram syndrome 1 (MIM#222300) is autosomal recessive. A clear genotype-phenotype correlation is currently unestablished. (I) 0200 - Variant is predicted to result in a missense amino acid change from glutamic acid to lysine. (I) 0251 - This variant is heterozygous. (I) 0304 - Variant is present in gnomAD <0.01 (v3: 8 heterozygotes, 0 homozygotes). (SP) 0502 - Missense variant with conflicting in silico predictions and uninformative conservation. (I) 0600 - Variant is located in the annotated Wolframin Sel1-like repeat (DECIPHER). (I) 0801 - This variant has strong previous evidence of pathogenicity in unrelated individuals. It has been reported in multiple compound heterozygous families with autosomal recessive Wolfram syndrome (MIM#222300) (PMIDs: 21446023, 28432734, 31266054, 35469785); and at least one heterozygous family with diabetes only (PMID: 27810688). It has also been classified as likely pathogenic and pathogenic by diagnostic laboratories in ClinVar. (SP) 1201 - Heterozygous variant detected in trans with a second pathogenic heterozygous variant NM_006005.3:c.605A>G; p.(Glu202Gly)) in a recessive disease. (SP) 1208 - Inheritance information for this variant is not currently available in this individual. (I) Legend: (SP) - Supporting pathogenic, (I) - Information, (SB) - Supporting benign

Literature cited by the submitters: PubMed 26875006 (cited by Labcorp Genetics (formerly Invitae), Labcorp and Women's Health and Genetics/Laboratory Corporation of America, LabCorp); PubMed 27045389 (cited by Labcorp Genetics (formerly Invitae), Labcorp and Women's Health and Genetics/Laboratory Corporation of America, LabCorp); PubMed 28432734 (cited by 3 submitters); PubMed 27810688 (cited by Labcorp Genetics (formerly Invitae), Labcorp and Victorian Clinical Genetics Services, Murdoch Childrens Research Institute); PubMed 23035048 (cited by Variantyx, Inc.); PubMed 30245029 (cited by Women's Health and Genetics/Laboratory Corporation of America, LabCorp); PubMed 38219857 (cited by Women's Health and Genetics/Laboratory Corporation of America, LabCorp); PubMed 10521293 (cited by Women's Health and Genetics/Laboratory Corporation of America, LabCorp); PubMed 37415600 (cited by Women's Health and Genetics/Laboratory Corporation of America, LabCorp); PubMed 36098976 (cited by Women's Health and Genetics/Laboratory Corporation of America, LabCorp); PubMed 21446023 (cited by Victorian Clinical Genetics Services, Murdoch Childrens Research Institute); PubMed 31266054 (cited by Victorian Clinical Genetics Services, Murdoch Childrens Research Institute); PubMed 32219690 (cited by Victorian Clinical Genetics Services, Murdoch Childrens Research Institute); PubMed 35469785 (cited by Victorian Clinical Genetics Services, Murdoch Childrens Research Institute).

NM_006005.3(WFS1):c.505G>A (p.Glu169Lys)

Gene: WFS1 (wolframin ER transmembrane glycoprotein; plus strand). Cytogenetic location: 4p16.1.
Variant type: single nucleotide variant.
Coding change: c.505G>A on transcript NM_006005.3 (MANE Select); coding-DNA position 505, G replaced by A.
Protein change: p.Glu169Lys; replaces glutamic acid 169 with lysine.
Molecular consequence: missense variant.
Genome position (GRCh38, 1-based): chr4:6,291,241, G>A. VCF-style: chr4-6291241-G-A. GRCh37 (hg19) VCF-style: chr4-6292968-G-A.
Other names: p.E169K:GAG>AAG; c.505G>A, p.Glu169Lys (NM_001145853.1); short protein forms E169K.
Identifiers: ClinVar variation 215376 (VCV000215376.22), dbSNP rs148953711, ClinGen allele CA321089.